The following is an entry in ClinVar:

NM_001297.5(CNGB1):c.1052A>C (p.Glu351Ala)

Gene: CNGB1 (cyclic nucleotide gated channel subunit beta 1; minus strand). Cytogenetic location: 16q21.
Variant type: single nucleotide variant.
Coding change: c.1052A>C on transcript NM_001297.5 (MANE Select); coding-DNA position 1052, A replaced by C.
Protein change: p.Glu351Ala; replaces glutamic acid 351 with alanine.
Molecular consequence: missense variant.
Genome position (GRCh38, 1-based): chr16:57,949,422, T>G on the plus strand (A>C on the coding strand, the complement: CNGB1 is on the minus strand). VCF-style: chr16-57949422-T-G. GRCh37 (hg19) VCF-style: chr16-57983326-T-G.
Other names: c.1034A>C, p.Glu345Ala (NM_001286130.2); short protein forms E345A, E351A.
Identifiers: ClinVar variation 1307308 (VCV001307308.2), dbSNP rs2149381342, ClinGen allele CA396075268.

ClinVar aggregate classification (germline): Uncertain significance (1 of 4 stars; one submission).

Submission:

GeneDx
Classification: Uncertain significance. Last evaluated: 2019-07-23. Review status: criteria provided, single submitter. Criteria: GeneDx Variant Classification Process June 2021. Collection method: clinical testing. Allele origin: germline. Affected: yes.
Comment: Not observed in large population cohorts (Lek et al., 2016); In silico analysis, which includes protein predictors and evolutionary conservation, supports that this variant does not alter protein structure/function; In-silico analysis, which includes splice predictors, is inconclusive as to whether the variant alters gene splicing. In the absence of RNA/functional studies, the actual effect of this sequence change is unknown.; Has not been previously published as pathogenic or benign to our knowledge